The following is an entry in ClinVar:

NM_004360.5(CDH1):c.1321-4C>T

Gene: CDH1 (cadherin 1; plus strand). Cytogenetic location: 16q22.1.
Variant type: single nucleotide variant.
Coding change: c.1321-4C>T on transcript NM_004360.5 (MANE Select); 4 bases into the intron before coding-DNA position 1321, C replaced by T.
Molecular consequence: intron variant.
Genome position (GRCh38, 1-based): chr16:68,815,511, C>T. VCF-style: chr16-68815511-C-T. GRCh37 (hg19) VCF-style: chr16-68849414-C-T.
Other names: c.-228-4C>T (NM_001317185.2); c.-499-4C>T (NM_001317186.2); c.1138-4C>T (NM_001317184.2).
Identifiers: ClinVar variation 3379335 (VCV003379335.1).

ClinVar aggregate classification (germline): Likely benign (1 of 4 stars; one submission).

Conditions:
Hereditary diffuse gastric adenocarcinoma (HDGC). Also called: DIFFUSE GASTRIC AND LOBULAR BREAST CANCER SYNDROME. Identifiers: Orphanet 26106, MedGen C1708349, MONDO:0007648, OMIM 137215.

gnomAD v4.1: 1 of 1,614,064 alleles (0.000062%); highest among the groups gnomAD compares: East Asian, 0.0022%; no homozygotes.

Submission:

Myriad Genetics, Inc.
Classification: Likely benign for Hereditary diffuse gastric adenocarcinoma. Last evaluated: 2024-09-18. Review status: criteria provided, single submitter. Criteria: Myriad Autosomal Dominant, Autosomal Recessive and X-Linked Classification Criteria (2023). Collection method: clinical testing. Allele origin: unknown.
Comment: This variant is considered likely benign. This variant is intronic and is not expected to impact mRNA splicing.